The following is an entry in ClinVar:

NM_001384474.1(LOXHD1):c.1208C>T (p.Ala403Val)

Gene: LOXHD1 (lipoxygenase homology PLAT domains 1; minus strand). Cytogenetic location: 18q21.1.
Variant type: single nucleotide variant.
Coding change: c.1208C>T on transcript NM_001384474.1 (MANE Select); coding-DNA position 1208, C replaced by T.
Protein change: p.Ala403Val; replaces alanine 403 with valine.
Molecular consequence: missense variant.
Genome position (GRCh38, 1-based): chr18:46,594,393, G>A on the plus strand (C>T on the coding strand, the complement: LOXHD1 is on the minus strand). VCF-style: chr18-46594393-G-A. GRCh37 (hg19) VCF-style: chr18-44174356-G-A.
Other names: c.1208C>T, p.Ala403Val (NM_144612.7); c.1208C>T (NM_144612.6); short protein forms A403V.
Identifiers: ClinVar variation 2139747 (VCV002139747.2), dbSNP rs371062140, ClinGen allele CA8952835.

ClinVar aggregate classification (germline): Uncertain significance. Review status: criteria provided, multiple submitters, no conflicts (2 of 4 stars). 2 submissions from 2 submitters: Uncertain significance (2). Last evaluated 2022-06-28.

Conditions:
Inborn genetic diseases. Identifiers: MedGen C0950123, MeSH D030342.

Allele frequency attached by ClinVar (database versions not stated): ExAC 0.00009; 1000 Genomes Project 30x 0.00016; 1000 Genomes Project 0.00020; gnomAD 0.00024; TOPMed 0.00027; ESP Exome Variant Server 0.00066.

Submissions (2):

Labcorp Genetics (formerly Invitae), Labcorp
Classification: Uncertain significance. Last evaluated: 2022-06-28. Review status: criteria provided, single submitter. Criteria: Invitae Variant Classification Sherloc (09022015). Collection method: clinical testing. Allele origin: germline.
Comment: This sequence change replaces alanine, which is neutral and non-polar, with valine, which is neutral and non-polar, at codon 403 of the LOXHD1 protein (p.Ala403Val). This variant is present in population databases (rs371062140, gnomAD 0.07%). This variant has not been reported in the literature in individuals affected with LOXHD1-related conditions. Algorithms developed to predict the effect of missense changes on protein structure and function output the following: SIFT: "Tolerated"; PolyPhen-2: "Benign"; Align-GVGD: "Class C0". The valine amino acid residue is found in multiple mammalian species, which suggests that this missense change does not adversely affect protein function. In summary, the available evidence is currently insufficient to determine the role of this variant in disease. Therefore, it has been classified as a Variant of Uncertain Significance.

Ambry Genetics
Classification: Uncertain significance for Inborn genetic diseases. Last evaluated: 2021-11-09. Review status: criteria provided, single submitter. Criteria: Ambry Variant Classification Scheme 2023. Collection method: clinical testing. Allele origin: germline.